The following is an entry in ClinVar:

NM_001376.5(DYNC1H1):c.7649C>T (p.Ala2550Val)

Gene: DYNC1H1 (dynein cytoplasmic 1 heavy chain 1; plus strand). Cytogenetic location: 14q32.31.
Variant type: single nucleotide variant.
Coding change: c.7649C>T on transcript NM_001376.5 (MANE Select); coding-DNA position 7649, C replaced by T.
Protein change: p.Ala2550Val; replaces alanine 2550 with valine.
Molecular consequence: missense variant.
Genome position (GRCh38, 1-based): chr14:102,016,800, C>T. VCF-style: chr14-102016800-C-T. GRCh37 (hg19) VCF-style: chr14-102483137-C-T.
Other names: short protein forms A2550V.
Identifiers: ClinVar variation 2007617 (VCV002007617.4), dbSNP rs2503771706, ClinGen allele CA391002612.

ClinVar aggregate classification (germline): Uncertain significance (1 of 4 stars; one submission).

Conditions:
Charcot-Marie-Tooth disease axonal type 2O. Also called: CHARCOT-MARIE-TOOTH NEUROPATHY, AXONAL, TYPE 2O; CHARCOT-MARIE-TOOTH DISEASE, AXONAL, AUTOSOMAL DOMINANT, TYPE 2O; Charcot-Marie-Tooth Neuropathy Type 2O; Charcot-Marie-Tooth disease, axonal, type 20. Identifiers: Orphanet 284232, MedGen C3280220, MONDO:0013644, OMIM 614228.

Submission:

Labcorp Genetics (formerly Invitae), Labcorp
Classification: Uncertain significance for Charcot-Marie-Tooth disease axonal type 2O. Last evaluated: 2022-06-17. Review status: criteria provided, single submitter. Criteria: Invitae Variant Classification Sherloc (09022015). Collection method: clinical testing. Allele origin: germline.
Comment: In summary, the available evidence is currently insufficient to determine the role of this variant in disease. Therefore, it has been classified as a Variant of Uncertain Significance. Advanced modeling of protein sequence and biophysical properties (such as structural, functional, and spatial information, amino acid conservation, physicochemical variation, residue mobility, and thermodynamic stability) performed at Invitae indicates that this missense variant is not expected to disrupt DYNC1H1 protein function. This variant has not been reported in the literature in individuals affected with DYNC1H1-related conditions. This variant is not present in population databases (gnomAD no frequency). This sequence change replaces alanine, which is neutral and non-polar, with valine, which is neutral and non-polar, at codon 2550 of the DYNC1H1 protein (p.Ala2550Val).